The following is an entry in ClinVar:

ClinVar aggregate classification (germline): Likely pathogenic (1 of 4 stars; one submission).

gnomAD v4.1: 2 of 1,613,514 alleles (0.00012%); highest among the groups gnomAD compares: Admixed American, 0.0033%; no homozygotes.

Submission:

Labcorp Genetics (formerly Invitae), Labcorp
Classification: Likely pathogenic. Last evaluated: 2024-06-19. Review status: criteria provided, single submitter. Criteria: Invitae Variant Classification Sherloc (09022015). Collection method: clinical testing. Allele origin: germline.
Comment: This sequence change affects a donor splice site in intron 2 of the GGCX gene. It is expected to disrupt RNA splicing. Variants that disrupt the donor or acceptor splice site typically lead to a loss of protein function (PMID: 16199547), and loss-of-function variants in GGCX are known to be pathogenic (PMID: 17110937, 17327402, 24520408). This variant is present in population databases (rs767783934, gnomAD 0.006%). Disruption of this splice site has been observed in individual(s) with vitamin K-dependent coagulation factor deficiency (PMID: 19340858). This variant is also known as c.1358+1G>T. Algorithms developed to predict the effect of sequence changes on RNA splicing suggest that this variant may disrupt the consensus splice site. In summary, the currently available evidence indicates that the variant is pathogenic, but additional data are needed to prove that conclusively. Therefore, this variant has been classified as Likely Pathogenic.

Literature cited by the submitters: PubMed 16199547; PubMed 17110937; PubMed 17327402; PubMed 24520408; PubMed 19340858.

NM_000821.7(GGCX):c.214+1G>T

Gene: GGCX (gamma-glutamyl carboxylase; minus strand). Cytogenetic location: 2p11.2.
Variant type: single nucleotide variant.
Coding change: c.214+1G>T on transcript NM_000821.7 (MANE Select); the canonical splice donor site of the intron after coding-DNA position 214, G replaced by T.
Molecular consequence: splice donor variant. On other transcripts: intron variant (1).
Genome position (GRCh38, 1-based): chr2:85,560,814, C>A on the plus strand (G>T on the coding strand, the complement: GGCX is on the minus strand). VCF-style: chr2-85560814-C-A. GRCh37 (hg19) VCF-style: chr2-85787937-C-A.
Other names: c.43+572G>T (NM_001142269.4); c.214+1G>T (NM_001311312.2).
Identifiers: ClinVar variation 3720350 (VCV003720350.2).